The following is an entry in ClinVar:

ClinVar aggregate classification (germline): Uncertain significance (1 of 4 stars; one submission).

Submission:

Labcorp Genetics (formerly Invitae), Labcorp
Classification: Uncertain significance. Last evaluated: 2021-11-06. Review status: criteria provided, single submitter. Criteria: Invitae Variant Classification Sherloc (09022015). Collection method: clinical testing. Allele origin: germline.
Comment: This sequence change replaces proline, which is neutral and non-polar, with histidine, which is basic and polar, at codon 180 of the COL7A1 protein (p.Pro180His). This variant is not present in population databases (gnomAD no frequency). This variant has not been reported in the literature in individuals affected with COL7A1-related conditions. Advanced modeling of protein sequence and biophysical properties (such as structural, functional, and spatial information, amino acid conservation, physicochemical variation, residue mobility, and thermodynamic stability) performed at Invitae indicates that this missense variant is not expected to disrupt COL7A1 protein function. In summary, the available evidence is currently insufficient to determine the role of this variant in disease. Therefore, it has been classified as a Variant of Uncertain Significance.

NM_000094.4(COL7A1):c.539C>A (p.Pro180His)

Gene: COL7A1 (collagen type VII alpha 1 chain; minus strand). Cytogenetic location: 3p21.31.
Variant type: single nucleotide variant.
Coding change: c.539C>A on transcript NM_000094.4 (MANE Select); coding-DNA position 539, C replaced by A.
Protein change: p.Pro180His; replaces proline 180 with histidine.
Molecular consequence: missense variant.
Genome position (GRCh38, 1-based): chr3:48,593,245, G>T on the plus strand (C>A on the coding strand, the complement: COL7A1 is on the minus strand). VCF-style: chr3-48593245-G-T. GRCh37 (hg19) VCF-style: chr3-48630678-G-T.
Other names: short protein forms P180H.
Identifiers: ClinVar variation 1447554 (VCV001447554.6), dbSNP rs2107799274, ClinGen allele CA352743996.